The following is an entry in ClinVar:

NM_152564.5(VPS13B):c.2963dup (p.Met988fs)

Gene: VPS13B (vacuolar protein sorting 13 homolog B; plus strand). Cytogenetic location: 8q22.2.
Variant type: Duplication.
Coding change: c.2963dup on transcript NM_152564.5 (MANE Select); coding-DNA position 2963, one base duplicated (T; older notation c.2963dupT).
Protein change: p.Met988fs; shifts the reading frame from methionine 988.
Molecular consequence: frameshift variant.
Genome position (GRCh38, 1-based): chr8:99,391,585, T duplicated. VCF-style (leftmost placement, unchanged base first): chr8-99391584-A-AT. GRCh37 (hg19) VCF-style: chr8-100403812-A-AT.
Other names: c.2963dup, p.Met988fs (NM_017890.5); short protein forms M988fs.
Identifiers: ClinVar variation 2090369 (VCV002090369.5), dbSNP rs2489875061, ClinGen allele CA2580079129.

ClinVar aggregate classification (germline): Pathogenic. Review status: criteria provided, multiple submitters, no conflicts (2 of 4 stars). 2 submissions from 2 submitters: Pathogenic (2). Last evaluated 2026-02-24.

Conditions:
Cohen syndrome (COH1). Also called: PEPPER SYNDROME; Cutis verticis gyrata, retinitis pigmentosa, and sensorineural deafness. Identifiers: Orphanet 193, MedGen C0265223, MONDO:0008999, OMIM 216550.

Submissions (2):

Myriad Genetics, Inc.
Classification: Pathogenic for Cohen syndrome. Last evaluated: 2026-02-24. Review status: criteria provided, single submitter. Criteria: Myriad Autosomal Dominant, Autosomal Recessive and X-Linked Classification Criteria (2023). Collection method: clinical testing. Allele origin: unknown.
Comment: NM_017890.4(VPS13B):c.2963dupT(M988Ifs*5) is a frameshift variant classified as pathogenic in the context of Cohen syndrome. M988Ifs*5 has not been observed in cases with relevant disease. Relevant functional assessments of this variant are not available in the literature. M988Ifs*5 has not been observed in referenced population frequency databases. In summary, NM_017890.4(VPS13B):c.2963dupT(M988Ifs*5) is a frameshift variant in a gene where loss of function is a known mechanism of disease and is predicted to disrupt protein function. Please note: this variant was assessed in the context of healthy population screening.

Labcorp Genetics (formerly Invitae), Labcorp
Classification: Pathogenic for Cohen syndrome. Last evaluated: 2022-02-08. Review status: criteria provided, single submitter. Criteria: Invitae Variant Classification Sherloc (09022015). Collection method: clinical testing. Allele origin: germline.
Comment: This sequence change creates a premature translational stop signal (p.Met988Ilefs*5) in the VPS13B gene. It is expected to result in an absent or disrupted protein product. Loss-of-function variants in VPS13B are known to be pathogenic (PMID: 15141358, 16648375, 20461111). This variant is not present in population databases (gnomAD no frequency). This variant has not been reported in the literature in individuals affected with VPS13B-related conditions. For these reasons, this variant has been classified as Pathogenic.

Literature cited by the submitters: PubMed 15141358 (cited by Labcorp Genetics (formerly Invitae), Labcorp); PubMed 16648375 (cited by Labcorp Genetics (formerly Invitae), Labcorp); PubMed 20461111 (cited by Labcorp Genetics (formerly Invitae), Labcorp).